The following is an entry in ClinVar:

ClinVar aggregate classification (germline): Uncertain significance. Review status: criteria provided, multiple submitters, no conflicts (2 of 4 stars). 3 submissions from 3 submitters: Uncertain significance (3). Last evaluated 2026-09-14.

Conditions:
PLEC-related disorder. Also called: PLEC-related condition; PLEC-related disorders.
Epidermolysis bullosa simplex with nail dystrophy (EBS5D). Identifiers: MedGen C4225309, MONDO:0014661, OMIM 616487.
Epidermolysis bullosa simplex, Ogna type (EBS5A). Also called: Pidermolysis bullosa simplex 5A, Ogna type; EPIDERMOLYSIS BULLOSA SIMPLEX 5A, OGNA TYPE. Identifiers: Orphanet 79401, MedGen C0432317, MONDO:0007555, OMIM 131950.
Epidermolysis bullosa simplex 5C, with pyloric atresia (EBS5C). Also called: PLEC-Related Epidermolysis Bullosa with Pyloric Atresia; Epidermolysis bullosa simplex with pyloric atresia; PLEC1-Related Epidermolysis Bullosa with Pyloric Atresia. Identifiers: Orphanet 158684, MedGen C2677349, MONDO:0012807, OMIM 612138.
Autosomal recessive limb-girdle muscular dystrophy type 2Q (LGMDR17). Also called: MUSCULAR DYSTROPHY, LIMB-GIRDLE, AUTOSOMAL RECESSIVE 17. Identifiers: Orphanet 254361, MedGen C3150989, MONDO:0013390, OMIM 613723.
Epidermolysis bullosa simplex 5B, with muscular dystrophy (EBS5B). Also called: Epidermolysis bullosa simplex with muscular dystrophy; EPIDERMOLYSIS BULLOSA SIMPLEX AND LIMB-GIRDLE MUSCULAR DYSTROPHY. Identifiers: Orphanet 257, MedGen C2931072, MONDO:0009181, OMIM 226670.

Allele frequency attached by ClinVar (database versions not stated): gnomAD exomes below 0.00001; gnomAD 0.00002; TOPMed 0.00003; ExAC 0.00007; 1000 Genomes Project 30x 0.00016.
gnomAD v4.1: 6 of 1,578,952 alleles (0.00038%); highest among the groups gnomAD compares: African/African-American, 0.0081%; no homozygotes.

Submissions (3):

PreventionGenetics, part of Exact Sciences
Classification: Uncertain significance for PLEC-related condition. Last evaluated: 2026-09-14. Review status: criteria provided, single submitter. Criteria: ACMG Guidelines, 2015. Collection method: clinical testing. Allele origin: germline.
Comment: The PLEC c.6212A>G variant is predicted to result in the amino acid substitution p.Gln2071Arg. To our knowledge, this variant has not been reported in the literature. This variant is reported in 0.019% of alleles in individuals of African descent in gnomAD. At this time, the clinical significance of this variant is uncertain due to the absence of conclusive functional and genetic evidence.

Labcorp Genetics (formerly Invitae), Labcorp
Classification: Uncertain significance for Autosomal recessive limb-girdle muscular dystrophy type 2Q; Epidermolysis bullosa simplex, Ogna type; Epidermolysis bullosa simplex with nail dystrophy; Epidermolysis bullosa simplex 5C, with pyloric atresia; Epidermolysis bullosa simplex 5B, with muscular dystrophy. Last evaluated: 2025-12-14. Review status: criteria provided, single submitter. Criteria: Invitae Variant Classification Sherloc (09022015). Collection method: clinical testing. Allele origin: germline.
Comment: This sequence change replaces glutamine, which is neutral and polar, with arginine, which is basic and polar, at codon 2071 of the PLEC protein (p.Gln2071Arg). The frequency data for this variant in the population databases is considered unreliable, as metrics indicate poor data quality at this position in the gnomAD database. This variant has not been reported in the literature in individuals affected with PLEC-related conditions. ClinVar contains an entry for this variant (Variation ID: 2435048). An algorithm developed to predict the effect of missense changes on protein structure and function (PolyPhen-2) suggests that this variant is likely to be tolerated. In summary, the available evidence is currently insufficient to determine the role of this variant in disease. Therefore, it has been classified as a Variant of Uncertain Significance.

Revvity Omics, Revvity
Classification: Uncertain significance. Last evaluated: 2019-05-16. Review status: criteria provided, single submitter. Criteria: ACMG Guidelines, 2015. Collection method: clinical testing. Allele origin: germline.

NM_201384.3(PLEC):c.6131A>G (p.Gln2044Arg)

Gene: PLEC (plectin; minus strand). Cytogenetic location: 8q24.3.
Variant type: single nucleotide variant.
Coding change: c.6131A>G on transcript NM_201384.3 (MANE Select); coding-DNA position 6131, A replaced by G.
Protein change: p.Gln2044Arg; replaces glutamine 2044 with arginine.
Molecular consequence: missense variant.
Genome position (GRCh38, 1-based): chr8:143,923,798, T>C on the plus strand (A>G on the coding strand, the complement: PLEC is on the minus strand). VCF-style: chr8-143923798-T-C. GRCh37 (hg19) VCF-style: chr8-144997966-T-C.
Other names: c.6212A>G, p.Gln2071Arg (NM_000445.5); c.6089A>G, p.Gln2030Arg (NM_201378.4); c.6065A>G, p.Gln2022Arg (NM_201379.3); c.6542A>G, p.Gln2181Arg (NM_201380.4); c.6035A>G, p.Gln2012Arg (NM_201381.3); c.6131A>G, p.Gln2044Arg (NM_201382.4); c.6143A>G, p.Gln2048Arg (NM_201383.3); c.6212A>G (NM_000445.4); short protein forms Q2012R, Q2022R, Q2030R, Q2044R, Q2048R, Q2071R, Q2181R.
Identifiers: ClinVar variation 2435048 (VCV002435048.7), dbSNP rs782345829, ClinGen allele CA4926100.